The following is an entry in ClinVar:

ClinVar aggregate classification (germline): Uncertain significance (1 of 4 stars; one submission).

Allele frequency attached by ClinVar (database versions not stated): gnomAD 0.00001; ESP Exome Variant Server 0.00008.

Submission:

Labcorp Genetics (formerly Invitae), Labcorp
Classification: Uncertain significance. Last evaluated: 2022-03-09. Review status: criteria provided, single submitter. Criteria: Invitae Variant Classification Sherloc (09022015). Collection method: clinical testing. Allele origin: germline.
Comment: This sequence change replaces proline, which is neutral and non-polar, with alanine, which is neutral and non-polar, at codon 122 of the TUBGCP6 protein (p.Pro122Ala). This variant is not present in population databases (gnomAD no frequency). This variant has not been reported in the literature in individuals affected with TUBGCP6-related conditions. Algorithms developed to predict the effect of missense changes on protein structure and function are either unavailable or do not agree on the potential impact of this missense change (SIFT: "Tolerated"; PolyPhen-2: "Probably Damaging"; Align-GVGD: "Class C0"). In summary, the available evidence is currently insufficient to determine the role of this variant in disease. Therefore, it has been classified as a Variant of Uncertain Significance.

NM_020461.4(TUBGCP6):c.364C>G (p.Pro122Ala)

Gene: TUBGCP6 (tubulin gamma complex component 6; minus strand). Cytogenetic location: 22q13.33.
Variant type: single nucleotide variant.
Coding change: c.364C>G on transcript NM_020461.4 (MANE Select); coding-DNA position 364, C replaced by G.
Protein change: p.Pro122Ala; replaces proline 122 with alanine.
Molecular consequence: missense variant.
Genome position (GRCh38, 1-based): chr22:50,244,096, G>C on the plus strand (C>G on the coding strand, the complement: TUBGCP6 is on the minus strand). VCF-style: chr22-50244096-G-C. GRCh37 (hg19) VCF-style: chr22-50682525-G-C.
Other names: short protein forms P122A.
Identifiers: ClinVar variation 2077997 (VCV002077997.1), dbSNP rs149528768, ClinGen allele CA325485511.
Genomic context (GRCh38, chr22:50,244,096, plus strand): 5'-TTCTCCCCACATGCTTGTTGTTAAGGAAGTAGTCTCGTTTTCTCGGCAGAACTTGAGGGG[G>C]ACCACTCCCTGCCAGCTGAACCAGGAGGTCCAAAACAGACCCCACCTCCAAAAGCGGACA-3'
Protein context (NP_065194.3, residues 112-132): DLLVQLAGSG[Pro122Ala]PQVLPRKRDY